The following is an entry in ClinVar:

ClinVar aggregate classification (germline): Uncertain significance (1 of 4 stars; one submission).

Allele frequency attached by ClinVar (database versions not stated): TOPMed below 0.00001.

Submission:

Labcorp Genetics (formerly Invitae), Labcorp
Classification: Uncertain significance. Last evaluated: 2022-03-29. Review status: criteria provided, single submitter. Criteria: Invitae Variant Classification Sherloc (09022015). Collection method: clinical testing. Allele origin: germline.
Comment: This variant, c.2297_2299del, is a complex sequence change that results in the deletion of 2 and insertion of 1 amino acid(s) in the TMPRSS15 protein (p.Gln766_Cys767delinsArg). This variant is not present in population databases (gnomAD no frequency). This variant has not been reported in the literature in individuals affected with TMPRSS15-related conditions. Experimental studies and prediction algorithms are not available or were not evaluated, and the functional significance of this variant is currently unknown. In summary, the available evidence is currently insufficient to determine the role of this variant in disease. Therefore, it has been classified as a Variant of Uncertain Significance.

NM_002772.3(TMPRSS15):c.2297_2299del (p.Gln766_Cys767delinsArg)

Gene: TMPRSS15 (transmembrane serine protease 15; minus strand). Cytogenetic location: 21q21.1.
Variant type: Deletion.
Coding change: c.2297_2299del on transcript NM_002772.3 (MANE Select); coding-DNA positions 2297 to 2299, 3 bases deleted (AGT; older notation c.2297_2299delAGT).
Protein change: p.Gln766_Cys767delinsArg.
Molecular consequence: inframe indel.
Genome position (GRCh38, 1-based): chr21:18,294,615-18,294,617, ACT deleted on the plus strand (AGT on the coding strand, the reverse complement: TMPRSS15 is on the minus strand). VCF-style (leftmost placement, unchanged base first): chr21-18294614-CACT-C. GRCh37 (hg19) VCF-style: chr21-19666931-CACT-C.
Identifiers: ClinVar variation 2119582 (VCV002119582.4), dbSNP rs2074880198, ClinGen allele CA2379743124.
Genomic context (GRCh38, chr21:18,294,614, plus strand): 5'-AATTTTAAACAGAATGCTTGAAGTGGGATATGACAACATATTTACTTACATTTATGGTTA[CACT>C]GTAACCGAATCAAGGAATCCTGTAAACACTGTTGACTGTAATAGAAGAACAATCATATTT-3'